The following is an entry in ClinVar:

ClinVar aggregate classification (germline): Uncertain significance (1 of 4 stars; one submission).

Submission:

GeneDx
Classification: Uncertain significance. Last evaluated: 2019-04-04. Review status: criteria provided, single submitter. Criteria: GeneDx Variant Classification Process June 2021. Collection method: clinical testing. Allele origin: germline. Affected: yes.
Comment: Not observed in large population cohorts (Lek et al., 2016); In silico analysis, which includes protein predictors and evolutionary conservation, supports a deleterious effect; Has not been previously published as pathogenic or benign to our knowledge

NM_004423.4(DVL3):c.1502T>C (p.Met501Thr)

Gene: DVL3 (dishevelled segment polarity protein 3; plus strand). Cytogenetic location: 3q27.1.
Variant type: single nucleotide variant.
Coding change: c.1502T>C on transcript NM_004423.4 (MANE Select); coding-DNA position 1502, T replaced by C.
Protein change: p.Met501Thr; replaces methionine 501 with threonine.
Molecular consequence: missense variant.
Genome position (GRCh38, 1-based): chr3:184,170,009, T>C. VCF-style: chr3-184170009-T-C. GRCh37 (hg19) VCF-style: chr3-183887797-T-C.
Other names: short protein forms M501T.
Identifiers: ClinVar variation 1187973 (VCV001187973.2), dbSNP rs545854146, ClinGen allele CA355414356.